The following is an entry in ClinVar:

ClinVar aggregate classification (germline): Uncertain significance (1 of 4 stars; one submission).

Submission:

Labcorp Genetics (formerly Invitae), Labcorp
Classification: Uncertain significance. Last evaluated: 2024-10-30. Review status: criteria provided, single submitter. Criteria: Invitae Variant Classification Sherloc (09022015). Collection method: clinical testing. Allele origin: germline.
Comment: This sequence change replaces glycine, which is neutral and non-polar, with arginine, which is basic and polar, at codon 352 of the ABCB11 protein (p.Gly352Arg). The frequency data for this variant in the population databases is considered unreliable, as metrics indicate poor data quality at this position in the gnomAD database. This variant has not been reported in the literature in individuals affected with ABCB11-related conditions. Invitae Evidence Modeling of protein sequence and biophysical properties (such as structural, functional, and spatial information, amino acid conservation, physicochemical variation, residue mobility, and thermodynamic stability) indicates that this missense variant is not expected to disrupt ABCB11 protein function with a negative predictive value of 95%. In summary, the available evidence is currently insufficient to determine the role of this variant in disease. Therefore, it has been classified as a Variant of Uncertain Significance.

NM_003742.4(ABCB11):c.1054G>A (p.Gly352Arg)

Gene: ABCB11 (ATP binding cassette subfamily B member 11; minus strand). Cytogenetic location: 2q31.1.
Variant type: single nucleotide variant.
Coding change: c.1054G>A on transcript NM_003742.4 (MANE Select); coding-DNA position 1054, G replaced by A.
Protein change: p.Gly352Arg; replaces glycine 352 with arginine.
Molecular consequence: missense variant.
Genome position (GRCh38, 1-based): chr2:168,986,139, C>T on the plus strand (G>A on the coding strand, the complement: ABCB11 is on the minus strand). VCF-style: chr2-168986139-C-T. GRCh37 (hg19) VCF-style: chr2-169842649-C-T.
Other names: short protein forms G352R.
Identifiers: ClinVar variation 3696612 (VCV003696612.2).
Genomic context (GRCh38, chr2:168,986,139, plus strand): 5'-TGCTATGTCTCGGTCAATAAGTCCAAGGTACCTGGACAAGGGTTCCTGGTGTATATTCTC[C>T]TTCATCCAGGACAAGTGTGGAGCCGTACCAGAAGGCCAGTGCATAACACAAAAAGATGAG-3'
Protein context (NP_003733.2, residues 342-362): WYGSTLVLDE[Gly352Arg]EYTPGTLVQI